The following is an entry in ClinVar:

NM_020366.4(RPGRIP1):c.1326G>T (p.Lys442Asn)

Gene: RPGRIP1 (RPGR interacting protein 1; plus strand). Cytogenetic location: 14q11.2.
Variant type: single nucleotide variant.
Coding change: c.1326G>T on transcript NM_020366.4 (MANE Select); coding-DNA position 1326, G replaced by T.
Protein change: p.Lys442Asn; replaces lysine 442 with asparagine.
Molecular consequence: missense variant.
Genome position (GRCh38, 1-based): chr14:21,320,036, G>T. VCF-style: chr14-21320036-G-T. GRCh37 (hg19) VCF-style: chr14-21788195-G-T.
Other names: c.1326G>T (NM_020366.3); c.252G>T, p.Lys84Asn (NM_001377523.1, NM_001377948.1, NM_001377949.1 and 1 more transcripts); short protein forms K84N, K442N.
Identifiers: ClinVar variation 1422354 (VCV001422354.6), dbSNP rs375450848, ClinGen allele CA7088951.

ClinVar aggregate classification (germline): Uncertain significance. Review status: criteria provided, multiple submitters, no conflicts (2 of 4 stars). 2 submissions from 2 submitters: Uncertain significance (2). Last evaluated 2024-09-27.

Conditions:
Inborn genetic diseases. Identifiers: MedGen C0950123, MeSH D030342.
Cone-rod dystrophy 13 (CORD13). Identifiers: Orphanet 1872, MedGen C2750720, MONDO:0011987, OMIM 608194.
Leber congenital amaurosis 6 (LCA6). Identifiers: Orphanet 65, MedGen C1854260, MONDO:0013446, OMIM 613826.

Allele frequency attached by ClinVar (database versions not stated): gnomAD 0.00001; gnomAD exomes 0.00003 and 0.00005; ExAC 0.00005; ESP Exome Variant Server 0.00017.
gnomAD v4.1: 73 of 1,612,244 alleles (0.0045%); highest among the groups gnomAD compares: Non-Finnish European, 0.0062%; no homozygotes.

Submissions (2):

Ambry Genetics
Classification: Uncertain significance for Inborn genetic diseases. Last evaluated: 2024-09-27. Review status: criteria provided, single submitter. Criteria: Ambry Variant Classification Scheme 2023. Collection method: clinical testing. Allele origin: germline.

Labcorp Genetics (formerly Invitae), Labcorp
Classification: Uncertain significance for Leber congenital amaurosis 6; Cone-rod dystrophy 13. Last evaluated: 2022-01-11. Review status: criteria provided, single submitter. Criteria: Invitae Variant Classification Sherloc (09022015). Collection method: clinical testing. Allele origin: germline.
Comment: In summary, the available evidence is currently insufficient to determine the role of this variant in disease. Therefore, it has been classified as a Variant of Uncertain Significance. Algorithms developed to predict the effect of missense changes on protein structure and function are either unavailable or do not agree on the potential impact of this missense change (SIFT: "Tolerated"; PolyPhen-2: "Possibly Damaging"; Align-GVGD: "Class C0"). This variant has not been reported in the literature in individuals affected with RPGRIP1-related conditions. This variant is present in population databases (rs375450848, gnomAD 0.009%). This sequence change replaces lysine, which is basic and polar, with asparagine, which is neutral and polar, at codon 442 of the RPGRIP1 protein (p.Lys442Asn).